The following is an entry in ClinVar:

NM_000179.3(MSH6):c.590A>G (p.Asp197Gly)

Gene: MSH6 (mutS homolog 6; plus strand). Cytogenetic location: 2p16.3.
Variant type: single nucleotide variant.
Coding change: c.590A>G on transcript NM_000179.3 (MANE Select); coding-DNA position 590, A replaced by G.
Protein change: p.Asp197Gly; replaces aspartic acid 197 with glycine.
Molecular consequence: missense variant. On other transcripts: 5 prime UTR variant (1), intron variant (2).
Genome position (GRCh38, 1-based): chr2:47,796,026, A>G. VCF-style: chr2-47796026-A-G. GRCh37 (hg19) VCF-style: chr2-48023165-A-G.
Other names: c.-313A>G (NM_001281494.2); c.-279-2585A>G (NM_001281493.2); c.238-2585A>G (NM_001281492.2); short protein forms D197G.
Identifiers: ClinVar variation 479937 (VCV000479937.12), dbSNP rs1553411488, ClinGen allele CA346738832.
Genomic context (GRCh38, chr2:47,796,026, plus strand): 5'-AACGTGCAGATGAAGCCTTAAATAAAGACAAGATTAAGAGGCTTGAATTGGCAGTTTGTG[A>G]TGAGCCCTCAGAGCCAGAAGAGGAAGAAGAGATGGAGGTGGGACACGGCAAGCATTCAGT-3'
Protein context (NP_000170.1, residues 187-207): KIKRLELAVC[Asp197Gly]EPSEPEEEEE

ClinVar aggregate classification (germline): Uncertain significance. Review status: criteria provided, multiple submitters, no conflicts (2 of 4 stars). 3 submissions from 3 submitters: Uncertain significance (3). Last evaluated 2024-07-04.

Conditions:
Endometrial carcinoma. Also called: Endometrial carcinoma, somatic. Identifiers: MedGen C0476089, MONDO:0002447, OMIM 608089, HP:0012114.
Hereditary cancer-predisposing syndrome. Also called: Hereditary Cancer Syndrome; Neoplastic Syndromes, Hereditary; Tumor predisposition; Hereditary neoplastic syndrome. Identifiers: Orphanet 140162, MedGen C0027672, MeSH D009386, MONDO:0015356.

Submissions (3):

Ambry Genetics
Classification: Uncertain significance for Hereditary cancer-predisposing syndrome. Last evaluated: 2024-07-04. Review status: criteria provided, single submitter. Criteria: Ambry Variant Classification Scheme 2023. Collection method: clinical testing. Allele origin: germline.
Comment: The p.D197G variant (also known as c.590A>G), located in coding exon 3 of the MSH6 gene, results from an A to G substitution at nucleotide position 590. The aspartic acid at codon 197 is replaced by glycine, an amino acid with similar properties. This amino acid position is not well conserved in available vertebrate species. In addition, this alteration is predicted to be tolerated by in silico analysis. Since supporting evidence is limited at this time, the clinical significance of this alteration remains unclear.

Color Diagnostics, LLC DBA Color Health
Classification: Uncertain significance for Hereditary cancer-predisposing syndrome. Last evaluated: 2023-12-05. Review status: criteria provided, single submitter. Criteria: ACMG Guidelines, 2015. Collection method: clinical testing. Allele origin: germline.
Comment: This missense variant replaces aspartic acid with glycine at codon 197 of the MSH6 protein. Computational prediction suggests that this variant may not impact protein structure and function (internally defined REVEL score threshold <= 0.5, PMID: 27666373). To our knowledge, functional studies have not been reported for this variant. This variant has not been reported in individuals affected with MSH6-related disorders in the literature. This variant has not been identified in the general population by the Genome Aggregation Database (gnomAD). The available evidence is insufficient to determine the role of this variant in disease conclusively. Therefore, this variant is classified as a Variant of Uncertain Significance.

Baylor Genetics
Classification: Uncertain significance for Endometrial carcinoma. Last evaluated: 2023-08-24. Review status: criteria provided, single submitter. Criteria: ACMG Guidelines, 2015. Collection method: clinical testing. Allele origin: unknown.